The following is an entry in ClinVar:

NM_144687.4(NLRP12):c.617G>A (p.Arg206His)

Gene: NLRP12 (NLR family pyrin domain containing 12; minus strand). Cytogenetic location: 19q13.42.
Variant type: single nucleotide variant.
Coding change: c.617G>A on transcript NM_144687.4 (MANE Select); coding-DNA position 617, G replaced by A.
Protein change: p.Arg206His; replaces arginine 206 with histidine.
Molecular consequence: missense variant.
Genome position (GRCh38, 1-based): chr19:53,811,042, C>T on the plus strand (G>A on the coding strand, the complement: NLRP12 is on the minus strand). VCF-style: chr19-53811042-C-T. GRCh37 (hg19) VCF-style: chr19-54314296-C-T.
Other names: c.617G>A, p.Arg206His (NM_001277126.2, NM_001277129.1); short protein forms R206H.
Identifiers: ClinVar variation 651013 (VCV000651013.22), dbSNP rs139461508, ClinGen allele CA9639658.

ClinVar aggregate classification (germline): Conflicting classifications of pathogenicity. Review status: criteria provided, conflicting classifications (1 of 4 stars). 6 submissions from 6 submitters: Uncertain significance (5); Likely benign (1). Last evaluated 2025-12-21.

Conditions:
Familial cold autoinflammatory syndrome 2 (FCAS2). Identifiers: Orphanet 247868, MedGen C2673198, MONDO:0012724, OMIM 611762.
NLRP12-related disorder. Also called: NLRP12-related condition; NLRP12-related conditions.

Allele frequency attached by ClinVar (database versions not stated): ExAC 0.00008; TOPMed 0.00035; ESP Exome Variant Server 0.00038.

Submissions (6):

Labcorp Genetics (formerly Invitae), Labcorp
Classification: Uncertain significance for Familial cold autoinflammatory syndrome 2. Last evaluated: 2025-12-21. Review status: criteria provided, single submitter. Criteria: Invitae Variant Classification Sherloc (09022015). Collection method: clinical testing. Allele origin: germline.
Comment: This sequence change replaces arginine, which is basic and polar, with histidine, which is basic and polar, at codon 206 of the NLRP12 protein (p.Arg206His). This variant is present in population databases (rs139461508, gnomAD 0.07%), and has an allele count higher than expected for a pathogenic variant. This variant has not been reported in the literature in individuals affected with NLRP12-related conditions. ClinVar contains an entry for this variant (Variation ID: 651013). An algorithm developed to predict the effect of missense changes on protein structure and function (PolyPhen-2) suggests that this variant is likely to be disruptive. In summary, the available evidence is currently insufficient to determine the role of this variant in disease. Therefore, it has been classified as a Variant of Uncertain Significance.

Dasa
Classification: Likely benign. Last evaluated: 2025-04-15. Review status: criteria provided, single submitter. Criteria: DASA Assertion Criteria. Collection method: clinical testing. Allele origin: germline.
Comment: NM_144687.4(NLRP12):c.617G>A (p.Arg206His) is a missense variant that results in the substitution of arginine with histidine. The variant context is inconsistent with a known disease-causing mechanism. Computational prediction algorithms are consistent with a benign effect. Therefore, based on the currently available evidence, this variant is classified as likely benign.

PreventionGenetics, part of Exact Sciences
Classification: Uncertain significance for NLRP12-related condition. Last evaluated: 2024-11-26. Review status: criteria provided, single submitter. Criteria: ACMG Guidelines, 2015. Collection method: clinical testing. Allele origin: germline.
Comment: The NLRP12 c.617G>A variant is predicted to result in the amino acid substitution p.Arg206His. To our knowledge, this variant has not been reported in the literature. This variant is reported in 0.064% of alleles in individuals of African descent in gnomAD. Although we suspect that this variant may be benign, at this time, the clinical significance of this variant is uncertain due to the absence of conclusive functional and genetic evidence.

Johns Hopkins Genomics, Johns Hopkins University
Classification: Uncertain significance for Familial cold autoinflammatory syndrome 2. Last evaluated: 2022-06-09. Review status: criteria provided, single submitter. Criteria: ACMG Guidelines, 2015. Collection method: clinical testing. Allele origin: germline.
Comment: This NLRP12 variant (rs139461508) is rare (<0.1%) in a large population dataset (gnomAD: 22/281996 total alleles; 0.008%; no homozygotes) and has been reported in ClinVar. Of three bioinformatics tools queried, one predicts that the substitution would be damaging, while two predict that it would be tolerated. The arginine residue at this position is strongly evolutionarily conserved across mammals, but weakly conserved across the other vertebrate species assessed. Bioinformatic analysis predicts that this missense variant would not affect normal exon 3 splicing, although this has not been confirmed experimentally to our knowledge. Due to insufficient evidence, we consider the clinical significance of c.617G>A to be uncertain at this time.

ARUP Laboratories, Molecular Genetics and Genomics, ARUP Laboratories
Classification: Uncertain significance for Familial cold autoinflammatory syndrome 2. Last evaluated: 2021-04-12. Review status: criteria provided, single submitter. Criteria: ARUP Molecular Germline Variant Investigation Process 2021. Collection method: clinical testing. Allele origin: germline.
Comment: The NLRP12 c.617G>A; p.Arg206His variant (rs139461508), to our knowledge, has not been reported in the medical literature; however, this variant is listed in the ClinVar database (Variation ID: 651013). This variant is found in the general population with an overall allele frequency of 0.008% (22/281,996 alleles) in the Genome Aggregation Database. The arginine at codon 206 is highly conserved, but computational analyses are uncertain whether this variant is neutral or deleterious (REVEL: 0.259). Based on the available information, the clinical significance of this variant is uncertain.

Blueprint Genetics
Classification: Uncertain significance. Last evaluated: 2021-03-03. Review status: criteria provided, single submitter. Criteria: ACMG Guidelines, 2015. Collection method: clinical testing. Allele origin: germline.

Literature cited by the submitters: PubMed 18230725 (cited by Johns Hopkins Genomics, Johns Hopkins University); PubMed 27633793 (cited by Johns Hopkins Genomics, Johns Hopkins University).